The following is an entry in ClinVar:

NM_001130053.5(EEF1D):c.1752G>C (p.Val584=)

Gene: EEF1D (eukaryotic translation elongation factor 1 delta; minus strand). Cytogenetic location: 8q24.3.
Variant type: single nucleotide variant.
Coding change: c.1752G>C on transcript NM_001130053.5 (MANE Select); coding-DNA position 1752, G replaced by C.
Protein change: p.Val584=; no amino-acid change (valine 584 retained).
Molecular consequence: synonymous variant.
Genome position (GRCh38, 1-based): chr8:143,580,165, C>G on the plus strand (G>C on the coding strand, the complement: EEF1D is on the minus strand). VCF-style: chr8-143580165-C-G. GRCh37 (hg19) VCF-style: chr8-144662335-C-G.
Other names: c.654G>C, p.Val218= (NM_001130055.4, NM_001130057.4, NM_001289950.4 and 1 more transcripts); c.582G>C, p.Val194= (NM_001130056.5, NM_001317743.4, NM_001330646.3); c.597G>C, p.Val199= (NM_001195203.4); c.1752G>C, p.Val584= (NM_032378.7).
Identifiers: ClinVar variation 3040141 (VCV003040141.2), dbSNP rs548361410, ClinGen allele CA4913370.

ClinVar aggregate classification (germline): Benign (0 of 4 stars; one submission).

Conditions:
EEF1D-related disorder. Also called: EEF1D-related condition.

Allele frequency attached by ClinVar (database versions not stated): gnomAD 0.00019; gnomAD exomes 0.00057; ExAC 0.00128; 1000 Genomes Project 30x 0.00141; 1000 Genomes Project 0.00180; TOPMed 0.00004.
gnomAD v4.1: 854 of 1,613,788 alleles (0.053%); highest among the groups gnomAD compares: South Asian, 0.9%; 16 homozygotes.

Submission:

PreventionGenetics, part of Exact Sciences
Classification: Benign for EEF1D-related condition. Last evaluated: 2019-04-03. Review status: no assertion criteria provided. Collection method: clinical testing. Allele origin: germline.
Comment: This variant is classified as benign based on ACMG/AMP sequence variant interpretation guidelines (Richards et al. 2015 PMID: 25741868, with internal and published modifications).